The following is an entry in ClinVar:

ClinVar aggregate classification (germline): Uncertain significance. Review status: criteria provided, single submitter (1 of 4 stars). 2 submissions from 2 submitters: Uncertain significance (1). 1 of the submissions does not count toward it. Last evaluated 2021-08-13.

Conditions:
Congenital hyperammonemia, type I. Also called: CPS I DEFICIENCY; Carbamoyl-phosphate synthase I deficiency; Carbamoyl phosphate synthetase 1 deficiency; Hyperammonemia due to carbamoyl phosphate synthetase 1 deficiency; CPS 1 deficiency; Carbamyl phosphate synthetase (CPS) deficiency. Identifiers: Orphanet 147, MedGen C4082171, MONDO:0009376, OMIM 237300.

Submissions (2):

Labcorp Genetics (formerly Invitae), Labcorp
Classification: Uncertain significance for Congenital hyperammonemia, type I. Last evaluated: 2021-08-13. Review status: criteria provided, single submitter. Criteria: Invitae Variant Classification Sherloc (09022015). Collection method: clinical testing. Allele origin: germline.
Comment: This sequence change replaces glycine with aspartic acid at codon 507 of the CPS1 protein (p.Gly507Asp). The glycine residue is moderately conserved and there is a moderate physicochemical difference between glycine and aspartic acid. This variant is not present in population databases (ExAC no frequency). This missense change has been observed in individual(s) with carbamoyl phosphate synthetase I deficiency (Invitae). Algorithms developed to predict the effect of missense changes on protein structure and function are either unavailable or do not agree on the potential impact of this missense change (SIFT: "Tolerated"; PolyPhen-2: "Possibly Damaging"; Align-GVGD: "Class C0"). In summary, the available evidence is currently insufficient to determine the role of this variant in disease. Therefore, it has been classified as a Variant of Uncertain Significance.

Natera, Inc.
Classification: Uncertain significance for Carbamoyl-phosphate synthase I deficiency. Last evaluated: 2021-08-31. Review status: no assertion criteria provided. Collection method: clinical testing. Allele origin: germline. Not counted in ClinVar's aggregate classification.

NM_001875.5(CPS1):c.1520G>A (p.Gly507Asp)

Gene: CPS1 (carbamoyl-phosphate synthase 1; plus strand). Cytogenetic location: 2q34.
Variant type: single nucleotide variant.
Coding change: c.1520G>A on transcript NM_001875.5 (MANE Select); coding-DNA position 1520, G replaced by A.
Protein change: p.Gly507Asp; replaces glycine 507 with aspartic acid.
Molecular consequence: missense variant. On other transcripts: non-coding transcript variant (2).
Genome position (GRCh38, 1-based): chr2:210,599,532, G>A. VCF-style: chr2-210599532-G-A. GRCh37 (hg19) VCF-style: chr2-211464256-G-A.
Other names: c.1520G>A (LRG_336t1); c.1520G>A, p.Gly507Asp (NM_001122633.3, NM_001369257.1); c.1553G>A, p.Gly518Asp (NM_001369256.1); short protein forms G518D, G507D.
Identifiers: ClinVar variation 654700 (VCV000654700.9), dbSNP rs1255335680, ClinGen allele CA350436185.